The following is an entry in ClinVar:

NM_004991.4(MECOM):c.3397G>T (p.Val1133Leu)

Gene: MECOM (MDS1 and EVI1 complex locus; minus strand). Cytogenetic location: 3q26.2.
Variant type: single nucleotide variant.
Coding change: c.3397G>T on transcript NM_004991.4 (MANE Select); coding-DNA position 3397, G replaced by T.
Protein change: p.Val1133Leu; replaces valine 1133 with leucine.
Molecular consequence: missense variant.
Genome position (GRCh38, 1-based): chr3:169,090,004, C>A on the plus strand (G>T on the coding strand, the complement: MECOM is on the minus strand). VCF-style: chr3-169090004-C-A. GRCh37 (hg19) VCF-style: chr3-168807792-C-A.
Other names: c.3028G>T, p.Val1010Leu (NM_001105077.4); c.2833G>T, p.Val945Leu (NM_001105078.4, NM_001205194.2, NM_001366469.2 and 1 more transcripts); c.2809G>T, p.Val937Leu (NM_001163999.2, NM_001366470.2); c.2806G>T, p.Val936Leu (NM_001164000.2, NM_001366471.2, NM_001366472.2); c.3370G>T, p.Val1124Leu (NM_001366466.2); c.2836G>T, p.Val946Leu (NM_001366467.2, NM_001366468.2); c.2398G>T, p.Val800Leu (NM_001366473.2); c.1834G>T, p.Val612Leu (NM_001366474.2); short protein forms V1010L, V1124L, V1133L, V800L, V612L, V936L, V937L, V945L.
Identifiers: ClinVar variation 3871895 (VCV003871895.1).

ClinVar aggregate classification (germline): Uncertain significance (1 of 4 stars; one submission).

Conditions:
Inborn genetic diseases. Identifiers: MedGen C0950123, MeSH D030342.

gnomAD v4.1: 40 of 1,612,890 alleles (0.0025%); highest among the groups gnomAD compares: Non-Finnish European, 0.0033%; no homozygotes.

Submission:

Ambry Genetics
Classification: Uncertain significance for Inborn genetic diseases. Last evaluated: 2025-03-10. Review status: criteria provided, single submitter. Criteria: Ambry Variant Classification Scheme 2023. Collection method: clinical testing. Allele origin: germline.
Comment: The p.V1133L variant (also known as c.3397G>T), located in coding exon 15 of the MECOM gene, results from a G to T substitution at nucleotide position 3397. The valine at codon 1133 is replaced by leucine, an amino acid with highly similar properties. This amino acid position is conserved. In addition, this alteration is predicted to be tolerated by in silico analysis. Based on the available evidence, the clinical significance of this variant remains unclear.